The following is an entry in ClinVar:

ClinVar aggregate classification (germline): Conflicting classifications of pathogenicity. Review status: criteria provided, conflicting classifications (1 of 4 stars). 5 submissions from 5 submitters: Likely pathogenic (3); Uncertain significance (1). 1 of the submissions does not count toward it. Last evaluated 2025-06-30.

Conditions:
Gm2-gangliosidosis, subacute.
Tay-Sachs disease (TSD). Also called: HEXA DEFICIENCY; Hexosaminidase A Deficiency; HEXA Disorders; GM2 gangliosidosis, type 1; Hexosaminidase alpha-subunit deficiency (variant B); Sphingolipidosis, Tay-Sachs. Identifiers: Orphanet 845, MedGen C0039373, MONDO:0010100, OMIM 272800.

Allele frequency attached by ClinVar (database versions not stated): gnomAD 0.00001.
gnomAD v4.1: 1 of 1,613,884 alleles (0.000062%); highest among the groups gnomAD compares: Non-Finnish European, 0.000085%; no homozygotes.

Submissions (5):

Natera, Inc.
Classification: Likely pathogenic for Tay-Sachs disease. Last evaluated: 2025-06-30. Review status: criteria provided, single submitter. Criteria: Natera Variant Classification Schema (03/2026). Collection method: clinical testing. Allele origin: germline.
Comment: The c.972T>A variant in HEXA is a synonymous variant that does not alter the encoded amino acid at position 324 (p.V324=). This variant is rare in the general population with a frequency below the threshold expected for the associated phenotype(s). This variant has been observed in one or more individuals affected with the associated recessive disease, as either homozygous or compound heterozygous with a second variant (PMID: 15108204). Functional studies show that this variant may disrupt protein function (PMID: 15108204). Computational prediction algorithms indicate this variant is likely to affect gene or protein function. Given the available evidence, this variant is classified as Likely Pathogenic.

Labcorp Genetics (formerly Invitae), Labcorp
Classification: Uncertain significance for Tay-Sachs disease. Last evaluated: 2025-06-24. Review status: criteria provided, single submitter. Criteria: Invitae Variant Classification Sherloc (09022015). Collection method: clinical testing. Allele origin: germline.
Comment: This sequence change affects codon 324 of the HEXA mRNA. It is a 'silent' change, meaning that it does not change the encoded amino acid sequence of the HEXA protein. The frequency data for this variant in the population databases is considered unreliable, as metrics indicate poor data quality at this position in the gnomAD database. This variant has been observed in individual(s) with hexosaminidase A deficiency (PMID: 15108204). ClinVar contains an entry for this variant (Variation ID: 3943). Algorithms developed to predict the effect of sequence changes on RNA splicing suggest that this variant may disrupt the consensus splice site. In summary, the available evidence is currently insufficient to determine the role of this variant in disease. Therefore, it has been classified as a Variant of Uncertain Significance.

Women's Health and Genetics/Laboratory Corporation of America, LabCorp
Classification: Likely pathogenic for Tay-Sachs disease. Last evaluated: 2025-04-14. Review status: criteria provided, single submitter. Criteria: LabCorp Variant Classification Summary - May 2015. Collection method: clinical testing. Allele origin: germline.
Comment: Variant summary: HEXA c.972T>A alters a conserved nucleotide resulting in a synonymous change. Several computational tools predict a significant impact on normal splicing: Three predict the variant creates a 5 donor site in exon 8 located 17 base pairs upstream of the canonical intron 8 splice donor site. The variant was absent in 251352 control chromosomes. c.972T>A has been reported in the literature in at-least one compound heterozygous individual affected with GM2-gangliosidosis (example: Wicklow_2004). At least one publication reports experimental evidence that this variant affects mRNA splicing. Specifically, bioinformatics prediction of utilization of the alternate donor site was confirmed using cDNA from this affected individual and consisted of both normal and short transcript (example: Wicklow_2004). Authors state that RT/PCR analyses confirmed the presence of low levels of abnormal transcript in proband fibroblasts that contained a premature stop codon in the mRNA at a position equivalent to amino acid 340, and therefore rapid decay of the transcript via NMD. Sequencing of this abnormal transcript revealed a 17 base pair deletion due to the usage of the novel upstream splice donor site in exon 8. The following publication has been ascertained in the context of this evaluation (PMID: 15108204). ClinVar contains an entry for this variant (Variation ID: 3943). Based on the evidence outlined above, the variant was classified as likely pathogenic.

GeneDx
Classification: Likely pathogenic. Last evaluated: 2023-04-01. Review status: criteria provided, single submitter. Criteria: GeneDx Variant Classification Process June 2021. Collection method: clinical testing. Allele origin: germline. Affected: yes.
Comment: Not observed at significant frequency in large population cohorts (gnomAD); Published functional studies and in silico splice prediction algorithms suggest a damaging effect resulting in aberrant splicing (Wicklow et al., 2004); This variant is associated with the following publications: (PMID: 35936646, 15108204)

OMIM
Classification: Pathogenic for GM2-GANGLIOSIDOSIS, SUBACUTE. Last evaluated: 2004-06-01. Review status: no assertion criteria provided. Collection method: literature only. Allele origin: germline. Not counted in ClinVar's aggregate classification.

Literature cited by the submitters: PubMed 15108204 (cited by 4 submitters); PubMed 20363167 (cited by Women's Health and Genetics/Laboratory Corporation of America, LabCorp).

NM_000520.6(HEXA):c.972T>A (p.Val324=)

Gene: HEXA (hexosaminidase subunit alpha; minus strand). Cytogenetic location: 15q23.
Variant type: single nucleotide variant.
Coding change: c.972T>A on transcript NM_000520.6 (MANE Select); coding-DNA position 972, T replaced by A.
Protein change: p.Val324=; no amino-acid change (valine 324 retained).
Molecular consequence: synonymous variant. On other transcripts: non-coding transcript variant (1).
Genome position (GRCh38, 1-based): chr15:72,349,093, A>T on the plus strand (T>A on the coding strand, the complement: HEXA is on the minus strand). VCF-style: chr15-72349093-A-T. GRCh37 (hg19) VCF-style: chr15-72641434-A-T.
Other names: V324V; c.1005T>A, p.Val335= (NM_001318825.2).
Identifiers: ClinVar variation 3943 (VCV000003943.13), dbSNP rs28942072, ClinGen allele CA116515.
Genomic context (GRCh38, chr15:72,349,093, plus strand): 5'-GTAAGCAACTGATCAGGCCACAGTGGGAAGATCAAAGGGCTCATACCAGCAGGTGAAATC[A>T]ACCTCATCTCCTCCAAGATGAAGATAAAAATCTGGGAAGACAGAGCTGACTTCTAAGAAG-3'
Protein context (NP_000511.2, residues 314-334): DFYLHLGGDE[Val324=]DFTCWKSNPE